The following is an entry in ClinVar:

NM_024312.5(GNPTAB):c.3770A>C (p.Ter1257Ser)

Gene: GNPTAB (N-acetylglucosamine-1-phosphate transferase subunits alpha and beta; minus strand). Cytogenetic location: 12q23.2.
Variant type: single nucleotide variant.
Coding change: c.3770A>C on transcript NM_024312.5 (MANE Select); coding-DNA position 3770, A replaced by C.
Protein change: p.Ter1257Ser.
Molecular consequence: stop lost.
Genome position (GRCh38, 1-based): chr12:101,747,165, T>G on the plus strand (A>C on the coding strand, the complement: GNPTAB is on the minus strand). VCF-style: chr12-101747165-T-G. GRCh37 (hg19) VCF-style: chr12-102140943-T-G.
Identifiers: ClinVar variation 5004669 (VCV005004669.1).

ClinVar aggregate classification (germline): Uncertain significance (1 of 4 stars; one submission).

Conditions:
GNPTAB-mucolipidosis. Also called: UDP-N-acetylglucosamine-1-phosphotransferase subunit alpha/beta deficiency. Identifiers: MedGen CN322573, MONDO:0100122.

Submission:

Myriad Genetics, Inc.
Classification: Uncertain significance for GNPTAB-mucolipidosis. Last evaluated: 2026-05-11. Review status: criteria provided, single submitter. Criteria: Myriad Autosomal Dominant, Autosomal Recessive and X-Linked Classification Criteria (2023). Collection method: clinical testing. Allele origin: unknown.
Comment: NM_024312.4(GNPTAB):c.3770A>C(*1257Sext*5) is a stop-loss variant classified as a variant of uncertain significance in the context of GNPTAB-related disorders. *1257Sext*5 has not been observed in cases with relevant disease. Relevant functional assessments of this variant are not available in the literature. *1257Sext*5 has not been observed in referenced population frequency databases. In summary, there is insufficient evidence to classify NM_024312.4(GNPTAB):c.3770A>C(*1257Sext*5) as pathogenic or benign. Please note: this variant was assessed in the context of healthy population screening.